The following is an entry in ClinVar:

ClinVar aggregate classification (germline): Benign (1 of 4 stars; one submission).

Allele frequency attached by ClinVar (database versions not stated): 1000 Genomes Project 0.01837; 1000 Genomes Project 30x 0.01889; TOPMed 0.03166; gnomAD 0.03368 and 0.03470.
gnomAD v4.1: 5,116 of 152,142 alleles (3.4%); highest among the groups gnomAD compares: Non-Finnish European, 4.9%; 117 homozygotes.

Submission:

GeneDx
Classification: Benign. Last evaluated: 2018-06-19. Review status: criteria provided, single submitter. Criteria: GeneDx Variant Classification (06012015). Collection method: clinical testing. Allele origin: germline. Affected: yes.
Comment: This variant is considered likely benign or benign based on one or more of the following criteria: it is a conservative change, it occurs at a poorly conserved position in the protein, it is predicted to be benign by multiple in silico algorithms, and/or has population frequency not consistent with disease.

NM_002860.4(ALDH18A1):c.89-285G>T

Gene: ALDH18A1 (aldehyde dehydrogenase 18 family member A1; minus strand). Cytogenetic location: 10q24.1.
Variant type: single nucleotide variant.
Coding change: c.89-285G>T on transcript NM_002860.4 (MANE Select); 285 bases into the intron before coding-DNA position 89, G replaced by T.
Molecular consequence: intron variant.
Genome position (GRCh38, 1-based): chr10:95,643,491, C>A on the plus strand (G>T on the coding strand, the complement: ALDH18A1 is on the minus strand). VCF-style: chr10-95643491-C-A. GRCh37 (hg19) VCF-style: chr10-97403248-C-A.
Other names: c.-79+9799G>T (NM_001323419.2); c.-30-6055G>T (NM_001323412.2, NM_001323418.2, NM_001323416.2); c.89-285G>T (NM_001323417.2, NM_001017423.2, NM_001323415.2 and 2 more transcripts).
Identifiers: ClinVar variation 669712 (VCV000669712.1), dbSNP rs117519014, ClinGen allele CA211805430.